The following is an entry in ClinVar:

ClinVar aggregate classification (germline): Uncertain significance (0 of 4 stars; one submission).

Conditions:
PROC-related disorder. Also called: PROC-related condition.

Submission:

PreventionGenetics, part of Exact Sciences
Classification: Uncertain significance for PROC-related condition. Last evaluated: 2024-02-27. Review status: no assertion criteria provided. Collection method: clinical testing. Allele origin: germline.
Comment: The PROC c.556C>T variant is predicted to result in the amino acid substitution p.Pro186Ser. To our knowledge, this variant has not been reported in the literature or in a large population database, indicating this variant is rare. At this time, the clinical significance of this variant is uncertain due to the absence of conclusive functional and genetic evidence.

NM_000312.4(PROC):c.556C>T (p.Pro186Ser)

Gene: PROC (protein C, inactivator of coagulation factors Va and VIIIa; plus strand). Cytogenetic location: 2q14.3.
Variant type: single nucleotide variant.
Coding change: c.556C>T on transcript NM_000312.4 (MANE Select); coding-DNA position 556, C replaced by T.
Protein change: p.Pro186Ser; replaces proline 186 with serine.
Molecular consequence: missense variant.
Genome position (GRCh38, 1-based): chr2:127,426,105, C>T. VCF-style: chr2-127426105-C-T. GRCh37 (hg19) VCF-style: chr2-128183681-C-T.
Other names: c.739C>T, p.Pro247Ser (NM_001375602.1); c.721C>T, p.Pro241Ser (NM_001375603.1); c.619C>T, p.Pro207Ser (NM_001375604.1); c.658C>T, p.Pro220Ser (NM_001375605.1); c.724C>T, p.Pro242Ser (NM_001375606.1); c.742C>T, p.Pro248Ser (NM_001375607.1); c.499C>T, p.Pro167Ser (NM_001375608.1); c.532C>T, p.Pro178Ser (NM_001375609.1); and 2 more; short protein forms P167S, P178S, P184S, P186S, P207S, P220S, P241S, P242S.
Identifiers: ClinVar variation 3061365 (VCV003061365.2), dbSNP rs2468358285, ClinGen allele CA348401046.
Genomic context (GRCh38, chr2:127,426,105, plus strand): 5'-GAGTGCCTGGCAGGCCCCTCACCACCTCTGCCTACCTCAGTGAAGTTCCCTTGTGGGAGG[C>T]CCTGGAAGCGGATGGAGAAGAAGCGCAGTCACCTGAAACGAGACACAGAAGACCAAGAAG-3'
Protein context (NP_000303.1, residues 176-196): HPAVKFPCGR[Pro186Ser]WKRMEKKRSH